The following is an entry in ClinVar:

NM_005228.5(EGFR):c.2926C>G (p.Gln976Glu)

Gene: EGFR (epidermal growth factor receptor; plus strand). Cytogenetic location: 7p11.2.
Variant type: single nucleotide variant.
Coding change: c.2926C>G on transcript NM_005228.5 (MANE Select); coding-DNA position 2926, C replaced by G.
Protein change: p.Gln976Glu; replaces glutamine 976 with glutamic acid.
Molecular consequence: missense variant.
Genome position (GRCh38, 1-based): chr7:55,200,393, C>G. VCF-style: chr7-55200393-C-G. GRCh37 (hg19) VCF-style: chr7-55268086-C-G.
Other names: c.2791C>G, p.Gln931Glu (NM_001346897.2, NM_001346899.2); c.2926C>G, p.Gln976Glu (NM_001346898.2); c.2767C>G, p.Gln923Glu (NM_001346900.2); c.2125C>G, p.Gln709Glu (NM_001346941.2); short protein forms Q931E, Q976E, Q923E, Q709E.
Identifiers: ClinVar variation 4759616 (VCV004759616.1).
Genomic context (GRCh38, chr7:55,200,393, plus strand): 5'-GATAGTCGCCCAAAGTTCCGTGAGTTGATCATCGAATTCTCCAAAATGGCCCGAGACCCC[C>G]AGCGCTACCTTGTCATTCAGGTACAAATTGCAGTCTGTGCTTCCATTGGGAAGAGTCCCT-3'
Protein context (NP_005219.2, residues 966-986): IEFSKMARDP[Gln976Glu]RYLVIQGDER

ClinVar aggregate classification (germline): Uncertain significance (1 of 4 stars; one submission).

Conditions:
EGFR-related lung cancer (EGFR). Identifiers: MedGen CN130014.

Submission:

Labcorp Genetics (formerly Invitae), Labcorp
Classification: Uncertain significance for EGFR-related lung cancer. Last evaluated: 2025-11-05. Review status: criteria provided, single submitter. Criteria: Invitae Variant Classification Sherloc (09022015). Collection method: clinical testing. Allele origin: germline.
Comment: This sequence change replaces glutamine, which is neutral and polar, with glutamic acid, which is acidic and polar, at codon 976 of the EGFR protein (p.Gln976Glu). This variant is present in population databases (no rsID available, gnomAD 0.0009%). This variant has not been reported in the literature in individuals affected with EGFR-related conditions. Invitae Evidence Modeling of protein sequence and biophysical properties (such as structural, functional, and spatial information, amino acid conservation, physicochemical variation, residue mobility, and thermodynamic stability) indicates that this missense variant is not expected to disrupt EGFR protein function with a negative predictive value of 80%. In summary, the available evidence is currently insufficient to determine the role of this variant in disease. Therefore, it has been classified as a Variant of Uncertain Significance.